The following is an entry in ClinVar:

NM_005076.5(CNTN2):c.2040C>G (p.Asp680Glu)

Gene: CNTN2 (contactin 2; plus strand). Cytogenetic location: 1q32.1.
Variant type: single nucleotide variant.
Coding change: c.2040C>G on transcript NM_005076.5 (MANE Select); coding-DNA position 2040, C replaced by G.
Protein change: p.Asp680Glu; replaces aspartic acid 680 with glutamic acid.
Molecular consequence: missense variant. On other transcripts: non-coding transcript variant (1).
Genome position (GRCh38, 1-based): chr1:205,067,165, C>G. VCF-style: chr1-205067165-C-G. GRCh37 (hg19) VCF-style: chr1-205036293-C-G.
Other names: c.2040C>G, p.Asp680Glu (NM_001346083.2); short protein forms D680E.
Identifiers: ClinVar variation 2074476 (VCV002074476.1), dbSNP rs1323344733, ClinGen allele CA344376849.

ClinVar aggregate classification (germline): Uncertain significance (1 of 4 stars; one submission).

Conditions:
Epilepsy, familial adult myoclonic, 5 (EPEO5). Also called: CORTICAL MYOCLONIC TREMOR WITH EPILEPSY, FAMILIAL, 5. Identifiers: Orphanet 86814, MedGen C3809374, MONDO:0014167, OMIM 615400.

Allele frequency attached by ClinVar (database versions not stated): gnomAD exomes below 0.00001; TOPMed 0.00001.
gnomAD v4.1: 4 of 1,614,130 alleles (0.00025%); highest among the groups gnomAD compares: African/African-American, 0.004%; no homozygotes.

Submission:

Labcorp Genetics (formerly Invitae), Labcorp
Classification: Uncertain significance for Epilepsy, familial adult myoclonic, 5. Last evaluated: 2022-01-04. Review status: criteria provided, single submitter. Criteria: Invitae Variant Classification Sherloc (09022015). Collection method: clinical testing. Allele origin: germline.
Comment: This sequence change replaces aspartic acid, which is acidic and polar, with glutamic acid, which is acidic and polar, at codon 680 of the CNTN2 protein (p.Asp680Glu). This variant is not present in population databases (gnomAD no frequency). This variant has not been reported in the literature in individuals affected with CNTN2-related conditions. Advanced modeling of protein sequence and biophysical properties (such as structural, functional, and spatial information, amino acid conservation, physicochemical variation, residue mobility, and thermodynamic stability) performed at Invitae indicates that this missense variant is not expected to disrupt CNTN2 protein function. Algorithms developed to predict the effect of sequence changes on RNA splicing suggest that this variant may create or strengthen a splice site. In summary, the available evidence is currently insufficient to determine the role of this variant in disease. Therefore, it has been classified as a Variant of Uncertain Significance.